The following is an entry in ClinVar:

NM_003919.3(SGCE):c.772T>A (p.Cys258Ser)

Genes: CASD1 (CAS1 domain containing 1; plus strand), SGCE (sarcoglycan epsilon; minus strand). Cytogenetic location: 7q21.3.
Variant type: single nucleotide variant.
Coding change: c.772T>A on transcript NM_003919.3 (MANE Select); coding-DNA position 772, T replaced by A.
Protein change: p.Cys258Ser; replaces cysteine 258 with serine.
Molecular consequence: missense variant.
Genome position (GRCh38, 1-based): chr7:94,603,343, A>T on the plus strand (T>A on the coding strand, the complement: SGCE is on the minus strand). VCF-style: chr7-94603343-A-T. GRCh37 (hg19) VCF-style: chr7-94232655-A-T.
Other names: c.772T>A, p.Cys258Ser (NM_001099400.2, NM_001099401.2, NM_001346717.2); c.649T>A, p.Cys217Ser (NM_001301139.2, NM_001362809.2); c.880T>A, p.Cys294Ser (NM_001346713.2, NM_001346715.2); c.685T>A, p.Cys229Ser (NM_001346719.2, NM_001362807.2); c.499T>A, p.Cys167Ser (NM_001346720.2, NM_001362808.2); short protein forms C167S, C217S, C229S, C258S, C294S.
Identifiers: ClinVar variation 1315294 (VCV001315294.2), dbSNP rs1799568147, ClinGen allele CA368232083.

ClinVar aggregate classification (germline): Uncertain significance (1 of 4 stars; one submission).

Submission:

GeneDx
Classification: Uncertain significance. Last evaluated: 2020-01-15. Review status: criteria provided, single submitter. Criteria: GeneDx Variant Classification Process June 2021. Collection method: clinical testing. Allele origin: germline. Affected: yes.
Comment: Not observed in large population cohorts (Lek et al., 2016); In silico analysis, which includes protein predictors and evolutionary conservation, supports a deleterious effect; Has not been previously published as pathogenic or benign to our knowledge